The following is an entry in ClinVar:

NM_203446.3(SYNJ1):c.99C>G (p.Phe33Leu)

Gene: SYNJ1 (synaptojanin 1; minus strand). Cytogenetic location: 21q22.11.
Variant type: single nucleotide variant.
Coding change: c.99C>G on transcript NM_203446.3 (MANE Select); coding-DNA position 99, C replaced by G.
Protein change: p.Phe33Leu; replaces phenylalanine 33 with leucine.
Molecular consequence: missense variant.
Genome position (GRCh38, 1-based): chr21:32,726,797, G>C on the plus strand (C>G on the coding strand, the complement: SYNJ1 is on the minus strand). VCF-style: chr21-32726797-G-C. GRCh37 (hg19) VCF-style: chr21-34099108-G-C.
Other names: c.99C>G, p.Phe33Leu (NM_001160302.2, NM_001160306.2); c.216C>G, p.Phe72Leu (NM_003895.4); short protein forms F33L, F72L.
Identifiers: ClinVar variation 1359720 (VCV001359720.7), dbSNP rs746651449, ClinGen allele CA410077702.
Genomic context (GRCh38, chr21:32,726,797, plus strand): 5'-GACCATGACAAATTGGGCTCTAACAGATGACTTACAGAGCACAGCGACAGCCCCAGACTC[G>C]AACATGAGACATTCTTCCTTATGCCTAGTTTCCACTATGAGGCTGAAAGGTGGGGGATCC-3'
Protein context (NP_982271.3, residues 23-43): ETRHKEECLM[Phe33Leu]ESGAVAVLSS

ClinVar aggregate classification (germline): Uncertain significance. Review status: criteria provided, multiple submitters, no conflicts (2 of 4 stars). 2 submissions from 2 submitters: Uncertain significance (2). Last evaluated 2024-11-14.

Conditions:
Developmental and epileptic encephalopathy, 53. Also called: Epileptic encephalopathy, early infantile, 53. Identifiers: MedGen C4479313, MONDO:0033362, OMIM 617389.
Early-onset Parkinson disease 20. Also called: PARKINSON DISEASE 20, AUTOSOMAL RECESSIVE EARLY-ONSET. Identifiers: Orphanet 391411, MedGen C3809824, MONDO:0014233, OMIM 615530.

Allele frequency attached by ClinVar (database versions not stated): TOPMed 0.00001.
gnomAD v4.1: 12 of 1,614,136 alleles (0.00074%); highest among the groups gnomAD compares: East Asian, 0.025%; no homozygotes.

Submissions (2):

ARUP Laboratories, Molecular Genetics and Genomics, ARUP Laboratories
Classification: Uncertain significance. Last evaluated: 2024-11-14. Review status: criteria provided, single submitter. Criteria: ARUP Molecular Germline Variant Investigation Process 2024. Collection method: clinical testing. Allele origin: germline.
Comment: The SYNJ1 c.216C>G; p.Phe72Leu variant (rs746651449), to our knowledge, is not reported in individuals with epilepsy but is reported in ClinVar (Variation ID: 1359720). This variant is absent from the Genome Aggregation Database (v2.1.1), indicating it is not a common polymorphism. Computational analyses are uncertain whether this variant is neutral or deleterious (REVEL: 0.699). Due to limited information, the clinical significance of this variant is uncertain at this time.

Labcorp Genetics (formerly Invitae), Labcorp
Classification: Uncertain significance for Developmental and epileptic encephalopathy, 53; Early-onset Parkinson disease 20. Last evaluated: 2021-06-07. Review status: criteria provided, single submitter. Criteria: Invitae Variant Classification Sherloc (09022015). Collection method: clinical testing. Allele origin: germline.
Comment: In summary, the available evidence is currently insufficient to determine the role of this variant in disease. Therefore, it has been classified as a Variant of Uncertain Significance. Algorithms developed to predict the effect of missense changes on protein structure and function are either unavailable or do not agree on the potential impact of this missense change (SIFT: "Deleterious"; PolyPhen-2: "Possibly Damaging"; Align-GVGD: "Class C15"). This variant has not been reported in the literature in individuals with SYNJ1-related conditions. This variant is not present in population databases (ExAC no frequency). This sequence change replaces phenylalanine with leucine at codon 72 of the SYNJ1 protein (p.Phe72Leu). The phenylalanine residue is highly conserved and there is a small physicochemical difference between phenylalanine and leucine.